The following is an entry in ClinVar:

ClinVar aggregate classification (germline): Pathogenic (1 of 4 stars; one submission).

Submission:

Labcorp Genetics (formerly Invitae), Labcorp
Classification: Pathogenic. Last evaluated: 2023-06-17. Review status: criteria provided, single submitter. Criteria: Invitae Variant Classification Sherloc (09022015). Collection method: clinical testing. Allele origin: germline.
Comment: This sequence change creates a premature translational stop signal (p.Glu533Argfs*5) in the XPC gene. It is expected to result in an absent or disrupted protein product. Loss-of-function variants in XPC are known to be pathogenic (PMID: 23173980, 25256075). This variant is not present in population databases (gnomAD no frequency). This variant has not been reported in the literature in individuals affected with XPC-related conditions. For these reasons, this variant has been classified as Pathogenic.

Literature cited by the submitters: PubMed 23173980; PubMed 25256075.

NM_004628.5(XPC):c.1596dup (p.Glu533fs)

Gene: XPC (XPC complex subunit, DNA damage recognition and repair factor; minus strand). Cytogenetic location: 3p25.1.
Variant type: Duplication.
Coding change: c.1596dup on transcript NM_004628.5 (MANE Select); coding-DNA position 1596, one base duplicated (A; older notation c.1596dupA).
Protein change: p.Glu533fs; shifts the reading frame from glutamic acid 533.
Molecular consequence: frameshift variant. On other transcripts: non-coding transcript variant (2).
Genome position (GRCh38, 1-based): chr3:14,158,287, T duplicated on the plus strand (A on the coding strand, the reverse complement: XPC is on the minus strand). VCF-style (leftmost placement, unchanged base first): chr3-14158286-C-CT. GRCh37 (hg19) VCF-style: chr3-14199786-C-CT.
Other names: c.1017dup, p.Glu340fs (NM_001354726.2); c.1596dup, p.Glu533fs (NM_001354727.2, NM_001354730.2); c.1578dup, p.Glu527fs (NM_001354729.2); short protein forms E340fs, E527fs, E533fs.
Identifiers: ClinVar variation 2718413 (VCV002718413.3), dbSNP rs2470257898, ClinGen allele CA2697550694.
Genomic context (GRCh38, chr3:14,158,286, plus strand): 5'-CCACCACACCGTGCACACAGTCTACACATACCCACTTTTCCTCCTGCTCACAGAACACCT[C>CT]TAGCCACTGGTCTATACCAGCTATGCTTCTTTTTTCTGCCTTCTCACCATCGCTGCACAT-3'